The following is an entry in ClinVar:

ClinVar aggregate classification (germline): Pathogenic (1 of 4 stars; one submission).

Conditions:
Long QT syndrome (LQTS). Identifiers: MedGen C0023976, MeSH D008133, MONDO:0002442. Disease mechanism: loss of function. Inheritance: Various modes of inheritance.

Submission:

Labcorp Genetics (formerly Invitae), Labcorp
Classification: Pathogenic for Long QT syndrome. Last evaluated: 2023-01-14. Review status: criteria provided, single submitter. Criteria: Invitae Variant Classification Sherloc (09022015). Collection method: clinical testing. Allele origin: germline.
Comment: For these reasons, this variant has been classified as Pathogenic. This variant has not been reported in the literature in individuals affected with KCNQ1-related conditions. This variant is not present in population databases (gnomAD no frequency). This sequence change creates a premature translational stop signal (p.Pro197Alafs*88) in the KCNQ1 gene. It is expected to result in an absent or disrupted protein product. Loss-of-function variants in KCNQ1 are known to be pathogenic (PMID: 9323054, 19862833).

Literature cited by the submitters: PubMed 9323054; PubMed 19862833.

NM_000218.3(KCNQ1):c.587dup (p.Pro197fs)

Gene: KCNQ1 (potassium voltage-gated channel subfamily Q member 1; plus strand). Cytogenetic location: 11p15.5.
Variant type: Duplication.
Coding change: c.587dup on transcript NM_000218.3 (MANE Select); coding-DNA position 587, one base duplicated (A; older notation c.587dupA).
Protein change: p.Pro197fs; shifts the reading frame from proline 197.
Molecular consequence: frameshift variant. On other transcripts: intron variant (1).
Genome position (GRCh38, 1-based): chr11:2,570,737, A duplicated; the last of 2 consecutive A bases (chr11:2,570,736-2,570,737); duplicating either gives the same sequence. VCF-style (leftmost placement, unchanged base first): chr11-2570735-G-GA. GRCh37 (hg19) VCF-style: chr11-2591965-G-GA.
Other names: c.587dup, p.Pro197fs (NM_001406836.1); c.317dup, p.Pro107fs (NM_001406837.1); c.206dup, p.Pro70fs (NM_181798.2); c.478-12698dup (NM_001406838.1); short protein forms P107fs, P70fs, P197fs.
Identifiers: ClinVar variation 2828480 (VCV002828480.3), dbSNP rs2493668059, ClinGen allele CA2739276177.